The following is an entry in ClinVar:

NM_001042492.3(NF1):c.245C>A (p.Ser82Tyr)

Gene: NF1 (neurofibromin 1; plus strand). Cytogenetic location: 17q11.2.
Variant type: single nucleotide variant.
Coding change: c.245C>A on transcript NM_001042492.3 (MANE Select); coding-DNA position 245, C replaced by A.
Protein change: p.Ser82Tyr; replaces serine 82 with tyrosine.
Molecular consequence: missense variant.
Genome position (GRCh38, 1-based): chr17:31,159,050, C>A. VCF-style: chr17-31159050-C-A. GRCh37 (hg19) VCF-style: chr17-29486068-C-A.
Other names: c.245C>A, p.Ser82Tyr (NM_001128147.3, NM_000267.4); short protein forms S82Y.
Identifiers: ClinVar variation 963679 (VCV000963679.6), dbSNP rs199474729, ClinGen allele CA398989643.
Genomic context (GRCh38, chr17:31,159,050, plus strand): 5'-CTGAATATCTTTTCTGTTAGAGAATATTTGGAGAAGCTGCTGAAAAAAATTTATATCTCT[C>A]TCAGTTGATTATATTGGATACACTGGAAAAATGTCTTGCTGGGGTAAGTAAATTGATCTT-3'
Protein context (NP_001035957.1, residues 72-92): GEAAEKNLYL[Ser82Tyr]QLIILDTLEK

ClinVar aggregate classification (germline): Pathogenic (1 of 4 stars; one submission).

Conditions:
Neurofibromatosis, type 1 (NF1). Also called: Peripheral type neurofibromatosis; VON RECKLINGHAUSEN DISEASE; NEUROFIBROMATOSIS, TYPE I, SOMATIC; Neurofibromatosis, type I. Identifiers: Orphanet 636, MedGen C0027831, MONDO:0018975, OMIM 162200. Disease mechanism: loss of function.

Submission:

Labcorp Genetics (formerly Invitae), Labcorp
Classification: Pathogenic for Neurofibromatosis, type 1. Last evaluated: 2022-09-02. Review status: criteria provided, single submitter. Criteria: Invitae Variant Classification Sherloc (09022015). Collection method: clinical testing. Allele origin: germline.
Comment: For these reasons, this variant has been classified as Pathogenic. This variant disrupts the p.Ser82 amino acid residue in NF1. Other variant(s) that disrupt this residue have been determined to be pathogenic (PMID: 11857752, 27716896). This suggests that this residue is clinically significant, and that variants that disrupt this residue are likely to be disease-causing. Advanced modeling of protein sequence and biophysical properties (such as structural, functional, and spatial information, amino acid conservation, physicochemical variation, residue mobility, and thermodynamic stability) performed at Invitae indicates that this missense variant is expected to disrupt NF1 protein function. ClinVar contains an entry for this variant (Variation ID: 963679). This missense change has been observed in individual(s) with neurofibromatosis type 1 (PMID: 23913538; Invitae). It has also been observed to segregate with disease in related individuals. This variant is not present in population databases (gnomAD no frequency). This sequence change replaces serine, which is neutral and polar, with tyrosine, which is neutral and polar, at codon 82 of the NF1 protein (p.Ser82Tyr).

Literature cited by the submitters: PubMed 11857752; PubMed 27716896; PubMed 23913538.